The following is an entry in ClinVar:

NM_002017.5(FLI1):c.770G>A (p.Arg257Gln)

Gene: FLI1 (Fli-1 proto-oncogene, ETS transcription factor; plus strand). Cytogenetic location: 11q24.3.
Variant type: single nucleotide variant.
Coding change: c.770G>A on transcript NM_002017.5 (MANE Select); coding-DNA position 770, G replaced by A.
Protein change: p.Arg257Gln; replaces arginine 257 with glutamine.
Molecular consequence: missense variant.
Genome position (GRCh38, 1-based): chr11:128,807,228, G>A. VCF-style: chr11-128807228-G-A. GRCh37 (hg19) VCF-style: chr11-128677123-G-A.
Other names: c.770G>A (NM_002017.3); c.671G>A, p.Arg224Gln (NM_001167681.3); c.572G>A, p.Arg191Gln (NM_001271010.2); c.191G>A, p.Arg64Gln (NM_001271012.2); short protein forms R191Q, R257Q, R224Q, R64Q.
Identifiers: ClinVar variation 1973392 (VCV001973392.6), dbSNP rs199555637, ClinGen allele CA6357233.
Genomic context (GRCh38, chr11:128,807,228, plus strand): 5'-CTCTTGCCACAGGTCCTCCCCTTGGAGGGGCACAAACGATCAGTAAGAATACAGAGCAAC[G>A]GCCCCAGCCAGGTACCTGCCCAGGATATGTAATCTCTCCTTTGCTTCCTGCACAGTTGTT-3'
Protein context (NP_002008.2, residues 247-267): AQTISKNTEQ[Arg257Gln]PQPDPYQILG

ClinVar aggregate classification (germline): Uncertain significance. Review status: criteria provided, multiple submitters, no conflicts (2 of 4 stars). 2 submissions from 2 submitters: Uncertain significance (2). Last evaluated 2025-04-03.

Conditions:
Inborn genetic diseases. Identifiers: MedGen C0950123, MeSH D030342.

Allele frequency attached by ClinVar (database versions not stated): gnomAD 0.00001; gnomAD exomes 0.00002; TOPMed 0.00003; ExAC 0.00004.
gnomAD v4.1: 24 of 1,597,888 alleles (0.0015%); highest among the groups gnomAD compares: Admixed American, 0.0069%; no homozygotes.

Submissions (2):

Ambry Genetics
Classification: Uncertain significance for Inborn genetic diseases. Last evaluated: 2025-04-03. Review status: criteria provided, single submitter. Criteria: Ambry Variant Classification Scheme 2023. Collection method: clinical testing. Allele origin: germline.

Labcorp Genetics (formerly Invitae), Labcorp
Classification: Uncertain significance. Last evaluated: 2022-05-28. Review status: criteria provided, single submitter. Criteria: Invitae Variant Classification Sherloc (09022015). Collection method: clinical testing. Allele origin: germline.
Comment: Algorithms developed to predict the effect of missense changes on protein structure and function (SIFT, PolyPhen-2, Align-GVGD) all suggest that this variant is likely to be tolerated. This variant has not been reported in the literature in individuals affected with FLI1-related conditions. In summary, the available evidence is currently insufficient to determine the role of this variant in disease. Therefore, it has been classified as a Variant of Uncertain Significance. This variant is present in population databases (rs199555637, gnomAD 0.007%). This sequence change replaces arginine, which is basic and polar, with glutamine, which is neutral and polar, at codon 257 of the FLI1 protein (p.Arg257Gln).